The following is an entry in ClinVar:

ClinVar aggregate classification (germline): Uncertain significance. Review status: criteria provided, multiple submitters, no conflicts (2 of 4 stars). 3 submissions from 3 submitters: Uncertain significance (3). Last evaluated 2025-06-16.

Conditions:
SCLT1-related disorder. Also called: SCLT1-related condition.

Allele frequency attached by ClinVar (database versions not stated): gnomAD exomes below 0.00001 and 0.00001; gnomAD 0.00001; ExAC 0.00002.
gnomAD v4.1: 8 of 1,586,214 alleles (0.0005%); highest among the groups gnomAD compares: South Asian, 0.0023%; no homozygotes.

Submissions (3):

PreventionGenetics, part of Exact Sciences
Classification: Uncertain significance for SCLT1-related condition. Last evaluated: 2025-06-16. Review status: criteria provided, single submitter. Criteria: ACMG Guidelines, 2015. Collection method: clinical testing. Allele origin: germline.
Comment: The SCLT1 c.674G>A variant is predicted to result in the amino acid substitution p.Arg225Gln. To our knowledge, this variant has not been reported in the literature. This variant is reported in 0.0081% of alleles in individuals of European (Finnish) descent in gnomAD. At this time, the clinical significance of this variant is uncertain due to the absence of conclusive functional and genetic evidence.

Ambry Genetics
Classification: Uncertain significance. Last evaluated: 2025-05-13. Review status: criteria provided, single submitter. Criteria: Ambry Variant Classification Scheme 2023. Collection method: clinical testing. Allele origin: germline.

Labcorp Genetics (formerly Invitae), Labcorp
Classification: Uncertain significance. Last evaluated: 2021-09-01. Review status: criteria provided, single submitter. Criteria: Invitae Variant Classification Sherloc (09022015). Collection method: clinical testing. Allele origin: germline.
Comment: This sequence change replaces arginine with glutamine at codon 225 of the SCLT1 protein (p.Arg225Gln). The arginine residue is moderately conserved and there is a small physicochemical difference between arginine and glutamine. This variant is present in population databases (rs747632827, ExAC 0.003%). This variant has not been reported in the literature in individuals affected with SCLT1-related conditions. Algorithms developed to predict the effect of missense changes on protein structure and function output the following: SIFT: "Tolerated"; PolyPhen-2: "Benign"; Align-GVGD: "Class C0". The glutamine amino acid residue is found in multiple mammalian species, which suggests that this missense change does not adversely affect protein function. In summary, the available evidence is currently insufficient to determine the role of this variant in disease. Therefore, it has been classified as a Variant of Uncertain Significance.

NM_144643.4(SCLT1):c.674G>A (p.Arg225Gln)

Gene: SCLT1 (sodium channel and clathrin linker 1; minus strand). Cytogenetic location: 4q28.2.
Variant type: single nucleotide variant.
Coding change: c.674G>A on transcript NM_144643.4 (MANE Select); coding-DNA position 674, G replaced by A.
Protein change: p.Arg225Gln; replaces arginine 225 with glutamine.
Molecular consequence: missense variant.
Genome position (GRCh38, 1-based): chr4:128,992,179, C>T on the plus strand (G>A on the coding strand, the complement: SCLT1 is on the minus strand). VCF-style: chr4-128992179-C-T. GRCh37 (hg19) VCF-style: chr4-129913334-C-T.
Other names: c.674G>A (NM_144643.3, NM_144643.2); short protein forms R225Q.
Identifiers: ClinVar variation 1019605 (VCV001019605.8), dbSNP rs747632827, ClinGen allele CA3079852.